The following is an entry in ClinVar:

NM_001042492.3(NF1):c.3631C>T (p.Leu1211=)

Gene: NF1 (neurofibromin 1; plus strand). Cytogenetic location: 17q11.2.
Variant type: single nucleotide variant.
Coding change: c.3631C>T on transcript NM_001042492.3 (MANE Select); coding-DNA position 3631, C replaced by T.
Protein change: p.Leu1211=; no amino-acid change (leucine 1211 retained).
Molecular consequence: synonymous variant.
Genome position (GRCh38, 1-based): chr17:31,233,136, C>T. VCF-style: chr17-31233136-C-T. GRCh37 (hg19) VCF-style: chr17-29560154-C-T.
Other names: c.3631C>T, p.Leu1211= (NM_000267.4).
Identifiers: ClinVar variation 229659 (VCV000229659.11), dbSNP rs876658125, ClinGen allele CA10580288.

ClinVar aggregate classification (germline): Benign/Likely benign. Review status: criteria provided, multiple submitters, no conflicts (2 of 4 stars). 4 submissions from 4 submitters: Benign (1); Likely benign (3). Last evaluated 2026-05-20.

Conditions:
Hereditary cancer-predisposing syndrome. Also called: Hereditary neoplastic syndrome; Neoplastic Syndromes, Hereditary; Hereditary Cancer Syndrome; Tumor predisposition. Identifiers: Orphanet 140162, MedGen C0027672, MeSH D009386, MONDO:0015356.
Neurofibromatosis, type 1 (NF1). Also called: NEUROFIBROMATOSIS, TYPE I, SOMATIC; Neurofibromatosis, type I; VON RECKLINGHAUSEN DISEASE; Peripheral type neurofibromatosis. Identifiers: Orphanet 636, MedGen C0027831, MONDO:0018975, OMIM 162200. Disease mechanism: loss of function.

Allele frequency attached by ClinVar (database versions not stated): TOPMed below 0.00001; gnomAD 0.00001; gnomAD exomes 0.00001.
gnomAD v4.1: 9 of 1,614,016 alleles (0.00056%); highest among the groups gnomAD compares: Non-Finnish European, 0.00076%; no homozygotes.

Submissions (4):

Myriad Genetics, Inc.
Classification: Benign for Neurofibromatosis, type 1. Last evaluated: 2026-05-20. Review status: criteria provided, single submitter. Criteria: Myriad Autosomal Dominant, Autosomal Recessive and X-Linked Classification Criteria (2023). Collection method: clinical testing. Allele origin: unknown.
Comment: This variant is considered benign. This variant is a silent/synonymous amino acid change and it is not expected to impact splicing.

Labcorp Genetics (formerly Invitae), Labcorp
Classification: Likely benign for Neurofibromatosis, type 1. Last evaluated: 2025-02-04. Review status: criteria provided, single submitter. Criteria: Invitae Variant Classification Sherloc (09022015). Collection method: clinical testing. Allele origin: germline.

Genome-Nilou Lab
Classification: Likely benign for Neurofibromatosis, type 1. Last evaluated: 2022-03-15. Review status: criteria provided, single submitter. Criteria: ACMG Guidelines, 2015. Collection method: clinical testing. Allele origin: germline. Affected: no.

Ambry Genetics
Classification: Likely benign for Hereditary cancer-predisposing syndrome. Last evaluated: 2013-11-07. Review status: criteria provided, single submitter. Criteria: Ambry Autosomal Dominant and X-Linked criteria (10/2015). Collection method: clinical testing. Allele origin: germline. Observed: 1 variant allele.